The following is an entry in ClinVar:

ClinVar aggregate classification (germline): Likely benign. Review status: criteria provided, multiple submitters, no conflicts (2 of 4 stars). 2 submissions from 2 submitters: Likely benign (2). Last evaluated 2026-01-13.

Allele frequency attached by ClinVar (database versions not stated): gnomAD exomes below 0.00001; TOPMed below 0.00001; gnomAD 0.00001.
gnomAD v4.1: 2 of 1,572,616 alleles (0.00013%); highest among the groups gnomAD compares: South Asian, 0.0012%; no homozygotes.

Submissions (2):

Labcorp Genetics (formerly Invitae), Labcorp
Classification: Likely benign. Last evaluated: 2026-01-13. Review status: criteria provided, single submitter. Criteria: Invitae Variant Classification Sherloc (09022015). Collection method: clinical testing. Allele origin: germline.

GeneDx
Classification: Likely benign. Last evaluated: 2017-02-09. Review status: criteria provided, single submitter. Criteria: GeneDx Variant Classification (06012015). Collection method: clinical testing. Allele origin: germline. Affected: yes.
Comment: This variant is considered likely benign or benign based on one or more of the following criteria: it is a conservative change, it occurs at a poorly conserved position in the protein, it is predicted to be benign by multiple in silico algorithms, and/or has population frequency not consistent with disease.

NM_006231.4(POLE):c.3060+16C>T

Gene: POLE (DNA polymerase epsilon, catalytic subunit; minus strand). Cytogenetic location: 12q24.33.
Variant type: single nucleotide variant.
Coding change: c.3060+16C>T on transcript NM_006231.4 (MANE Select); 16 bases into the intron after coding-DNA position 3060, C replaced by T.
Molecular consequence: intron variant.
Genome position (GRCh38, 1-based): chr12:132,660,953, G>A on the plus strand (C>T on the coding strand, the complement: POLE is on the minus strand). VCF-style: chr12-132660953-G-A. GRCh37 (hg19) VCF-style: chr12-133237539-G-A.
Identifiers: ClinVar variation 507349 (VCV000507349.9), dbSNP rs1428999721, ClinGen allele CA658797982.